The following is an entry in ClinVar:

ClinVar aggregate classification (germline): Uncertain significance (1 of 4 stars; one submission).

Submission:

Labcorp Genetics (formerly Invitae), Labcorp
Classification: Uncertain significance. Last evaluated: 2025-11-20. Review status: criteria provided, single submitter. Criteria: Invitae Variant Classification Sherloc (09022015). Collection method: clinical testing. Allele origin: germline.
Comment: This sequence change replaces alanine, which is neutral and non-polar, with valine, which is neutral and non-polar, at codon 58 of the HNF1A protein (p.Ala58Val). This variant is not present in population databases (gnomAD no frequency). This variant has not been reported in the literature in individuals affected with HNF1A-related conditions. Invitae Evidence Modeling of protein sequence and biophysical properties (such as structural, functional, and spatial information, amino acid conservation, physicochemical variation, residue mobility, and thermodynamic stability) indicates that this missense variant is not expected to disrupt HNF1A protein function with a negative predictive value of 80%. In summary, the available evidence is currently insufficient to determine the role of this variant in disease. Therefore, it has been classified as a Variant of Uncertain Significance.

NM_000545.8(HNF1A):c.173C>T (p.Ala58Val)

Gene: HNF1A (HNF1 homeobox A; plus strand). Cytogenetic location: 12q24.31.
Variant type: single nucleotide variant.
Coding change: c.173C>T on transcript NM_000545.8 (MANE Select); coding-DNA position 173, C replaced by T.
Protein change: p.Ala58Val; replaces alanine 58 with valine.
Molecular consequence: missense variant.
Genome position (GRCh38, 1-based): chr12:120,978,941, C>T. VCF-style: chr12-120978941-C-T. GRCh37 (hg19) VCF-style: chr12-121416744-C-T.
Other names: c.173C>T, p.Ala58Val (NM_001306179.2, NM_001406915.1); short protein forms A58V.
Identifiers: ClinVar variation 4743343 (VCV004743343.1).
Genomic context (GRCh38, chr12:120,978,941, plus strand): 5'-TGGCTGGAGAAGGCCCCCTGGACAAGGGGGAGTCCTGCGGCGGCGGTCGAGGGGAGCTGG[C>T]TGAGCTGCCCAATGGGCTGGGGGAGACTCGGGGCTCCGAGGACGAGACGGACGACGATGG-3'
Protein context (NP_000536.6, residues 48-68): ESCGGGRGEL[Ala58Val]ELPNGLGETR